The following is an entry in ClinVar:

NM_024685.4(BBS10):c.1970C>T (p.Thr657Ile)

Gene: BBS10 (Bardet-Biedl syndrome 10; minus strand). Cytogenetic location: 12q21.2.
Variant type: single nucleotide variant.
Coding change: c.1970C>T on transcript NM_024685.4 (MANE Select); coding-DNA position 1970, C replaced by T.
Protein change: p.Thr657Ile; replaces threonine 657 with isoleucine.
Molecular consequence: missense variant.
Genome position (GRCh38, 1-based): chr12:76,346,015, G>A on the plus strand (C>T on the coding strand, the complement: BBS10 is on the minus strand). VCF-style: chr12-76346015-G-A. GRCh37 (hg19) VCF-style: chr12-76739795-G-A.
Other names: c.1970C>T (NM_024685.3); short protein forms T657I.
Identifiers: ClinVar variation 1421598 (VCV001421598.4), dbSNP rs773540960, ClinGen allele CA6694068.

ClinVar aggregate classification (germline): Uncertain significance. Review status: criteria provided, multiple submitters, no conflicts (2 of 4 stars). 2 submissions from 2 submitters: Uncertain significance (2). Last evaluated 2023-10-13.

Conditions:
BBS10-related disorder. Also called: BBS10-related condition.
Bardet-Biedl syndrome (BBS). Identifiers: Orphanet 110, MedGen C0752166, MONDO:0015229.

Allele frequency attached by ClinVar (database versions not stated): TOPMed 0.00002; gnomAD 0.00003.
gnomAD v4.1: 46 of 1,613,856 alleles (0.0029%); highest among the groups gnomAD compares: Non-Finnish European, 0.0036%; no homozygotes.

Submissions (2):

Labcorp Genetics (formerly Invitae), Labcorp
Classification: Uncertain significance for Bardet-Biedl syndrome. Last evaluated: 2023-10-13. Review status: criteria provided, single submitter. Criteria: Invitae Variant Classification Sherloc (09022015). Collection method: clinical testing. Allele origin: germline.
Comment: This sequence change replaces threonine, which is neutral and polar, with isoleucine, which is neutral and non-polar, at codon 657 of the BBS10 protein (p.Thr657Ile). This variant is present in population databases (rs773540960, gnomAD 0.006%). This variant has not been reported in the literature in individuals affected with BBS10-related conditions. ClinVar contains an entry for this variant (Variation ID: 1421598). Advanced modeling of protein sequence and biophysical properties (such as structural, functional, and spatial information, amino acid conservation, physicochemical variation, residue mobility, and thermodynamic stability) performed at Invitae indicates that this missense variant is not expected to disrupt BBS10 protein function. In summary, the available evidence is currently insufficient to determine the role of this variant in disease. Therefore, it has been classified as a Variant of Uncertain Significance.

PreventionGenetics, part of Exact Sciences
Classification: Uncertain significance for BBS10-related condition. Last evaluated: 2023-05-02. Review status: criteria provided, single submitter. Criteria: ACMG Guidelines, 2015. Collection method: clinical testing. Allele origin: germline.
Comment: The BBS10 c.1970C>T variant is predicted to result in the amino acid substitution p.Thr657Ile. To our knowledge, this variant has not been reported in the literature. This variant is reported in 0.0085% of alleles in individuals of Latino descent in gnomAD. At this time, the clinical significance of this variant is uncertain due to the absence of conclusive functional and genetic evidence.